The following is an entry in ClinVar:

ClinVar aggregate classification (germline): Uncertain significance (1 of 4 stars; one submission).

gnomAD v4.1: 3 of 1,611,720 alleles (0.00019%); highest among the groups gnomAD compares: African/African-American, 0.004%; no homozygotes.

Submission:

GeneDx
Classification: Uncertain significance. Last evaluated: 2024-12-17. Review status: criteria provided, single submitter. Criteria: GeneDx Variant Classification Process June 2021. Collection method: clinical testing. Allele origin: germline. Affected: yes.
Comment: In silico analysis indicates that this variant does not alter splicing; Has not been previously published as pathogenic or benign to our knowledge

NM_032575.3(GLIS2):c.825C>A (p.Ser275=)

Gene: GLIS2 (GLIS family zinc finger 2; plus strand). Cytogenetic location: 16p13.3.
Variant type: single nucleotide variant.
Coding change: c.825C>A on transcript NM_032575.3 (MANE Select); coding-DNA position 825, C replaced by A.
Protein change: p.Ser275=; no amino-acid change (serine 275 retained).
Molecular consequence: synonymous variant.
Genome position (GRCh38, 1-based): chr16:4,336,774, C>A. VCF-style: chr16-4336774-C-A. GRCh37 (hg19) VCF-style: chr16-4386775-C-A.
Other names: c.825C>A, p.Ser275= (NM_001318918.2).
Identifiers: ClinVar variation 3906640 (VCV003906640.1).